The following is an entry in ClinVar:

ClinVar aggregate classification (germline): Likely benign (0 of 4 stars; one submission).

Conditions:
PLXNA3-related disorder. Also called: PLXNA3-related condition.

Allele frequency attached by ClinVar (database versions not stated): TOPMed 0.00007; ExAC 0.00014; gnomAD 0.00015; gnomAD exomes 0.00015; 1000 Genomes Project 0.00106; 1000 Genomes Project 30x 0.00125.
gnomAD v4.1: 171 of 1,119,466 alleles (0.015%); highest among the groups gnomAD compares: South Asian, 0.065%; no homozygotes.

Submission:

PreventionGenetics, part of Exact Sciences
Classification: Likely benign for PLXNA3-related condition. Last evaluated: 2021-05-20. Review status: no assertion criteria provided. Collection method: clinical testing. Allele origin: germline.
Comment: This variant is classified as likely benign based on ACMG/AMP sequence variant interpretation guidelines (Richards et al. 2015 PMID: 25741868, with internal and published modifications).

NM_017514.5(PLXNA3):c.576C>T (p.Ser192=)

Gene: PLXNA3 (plexin A3; plus strand). Cytogenetic location: Xq28.
Variant type: single nucleotide variant.
Coding change: c.576C>T on transcript NM_017514.5 (MANE Select); coding-DNA position 576, C replaced by T.
Protein change: p.Ser192=; no amino-acid change (serine 192 retained).
Molecular consequence: synonymous variant.
Genome position (GRCh38, 1-based): chrX:154,460,759, C>T. VCF-style: chrX-154460759-C-T. GRCh37 (hg19) VCF-style: chrX-153689099-C-T.
Identifiers: ClinVar variation 3038660 (VCV003038660.2), dbSNP rs782633521, ClinGen allele CA10563722.